The following is an entry in ClinVar:

ClinVar aggregate classification (germline): Uncertain significance. Review status: criteria provided, multiple submitters, no conflicts (2 of 4 stars). 2 submissions from 2 submitters: Uncertain significance (2). Last evaluated 2024-11-22.

Conditions:
Inborn genetic diseases. Identifiers: MedGen C0950123, MeSH D030342.

Submissions (2):

Ambry Genetics
Classification: Uncertain significance for Inborn genetic diseases. Last evaluated: 2024-11-22. Review status: criteria provided, single submitter. Criteria: Ambry Variant Classification Scheme 2023. Collection method: clinical testing. Allele origin: germline.
Comment: The p.N975T variant (also known as c.2924A>C), located in coding exon 24 of the ANKRD26 gene, results from an A to C substitution at nucleotide position 2924. The asparagine at codon 975 is replaced by threonine, an amino acid with similar properties. This amino acid position is conserved. In addition, this alteration is predicted to be tolerated by in silico analysis. Based on the available evidence, the clinical significance of this variant remains unclear.

Labcorp Genetics (formerly Invitae), Labcorp
Classification: Uncertain significance. Last evaluated: 2024-07-30. Review status: criteria provided, single submitter. Criteria: Invitae Variant Classification Sherloc (09022015). Collection method: clinical testing. Allele origin: germline.
Comment: This sequence change replaces asparagine, which is neutral and polar, with threonine, which is neutral and polar, at codon 975 of the ANKRD26 protein (p.Asn975Thr). This variant is not present in population databases (gnomAD no frequency). This variant has not been reported in the literature in individuals affected with ANKRD26-related conditions. An algorithm developed to predict the effect of missense changes on protein structure and function outputs the following: PolyPhen-2: "Benign". The threonine amino acid residue is found in multiple mammalian species, which suggests that this missense change does not adversely affect protein function. In summary, the available evidence is currently insufficient to determine the role of this variant in disease. Therefore, it has been classified as a Variant of Uncertain Significance.

NM_014915.3(ANKRD26):c.2924A>C (p.Asn975Thr)

Gene: ANKRD26 (ankyrin repeat domain 26; minus strand). Cytogenetic location: 10p12.1.
Variant type: single nucleotide variant.
Coding change: c.2924A>C on transcript NM_014915.3 (MANE Select); coding-DNA position 2924, A replaced by C.
Protein change: p.Asn975Thr; replaces asparagine 975 with threonine.
Molecular consequence: missense variant.
Genome position (GRCh38, 1-based): chr10:27,035,526, T>G on the plus strand (A>C on the coding strand, the complement: ANKRD26 is on the minus strand). VCF-style: chr10-27035526-T-G. GRCh37 (hg19) VCF-style: chr10-27324455-T-G.
Other names: c.2921A>C, p.Asn974Thr (NM_001256053.2); short protein forms N975T, N974T.
Identifiers: ClinVar variation 3396353 (VCV003396353.3).